The following is an entry in ClinVar:

NM_004369.4(COL6A3):c.4529G>T (p.Gly1510Val)

Gene: COL6A3 (collagen type VI alpha 3 chain; minus strand). Cytogenetic location: 2q37.3.
Variant type: single nucleotide variant.
Coding change: c.4529G>T on transcript NM_004369.4 (MANE Select); coding-DNA position 4529, G replaced by T.
Protein change: p.Gly1510Val; replaces glycine 1510 with valine.
Molecular consequence: missense variant.
Genome position (GRCh38, 1-based): chr2:237,368,934, C>A on the plus strand (G>T on the coding strand, the complement: COL6A3 is on the minus strand). VCF-style: chr2-237368934-C-A. GRCh37 (hg19) VCF-style: chr2-238277577-C-A.
Other names: c.2708G>T, p.Gly903Val (NM_057166.5); c.3911G>T, p.Gly1304Val (NM_057167.4); short protein forms G1304V, G1510V, G903V.
Identifiers: ClinVar variation 2505952 (VCV002505952.3), dbSNP rs750636146, ClinGen allele CA351193143.

ClinVar aggregate classification (germline): Uncertain significance. Review status: criteria provided, multiple submitters, no conflicts (2 of 4 stars). 2 submissions from 2 submitters: Uncertain significance (2). Last evaluated 2024-05-02.

Conditions:
Bethlem myopathy 1A. Also called: MYOPATHY, BENIGN CONGENITAL, WITH CONTRACTURES; Bethlem myopathy 1; Bethlem Muscular Dystrophy. Identifiers: Orphanet 610, MedGen CN029274, MONDO:0024530, OMIM 158810.

gnomAD v4.1: 4 of 1,614,090 alleles (0.00025%); highest among the groups gnomAD compares: African/African-American, 0.0027%; no homozygotes.

Submissions (3):

Labcorp Genetics (formerly Invitae), Labcorp
Classification: Uncertain significance for Bethlem myopathy 1A. Last evaluated: 2024-05-02. Review status: criteria provided, single submitter. Criteria: Invitae Variant Classification Sherloc (09022015). Collection method: clinical testing. Allele origin: germline.
Comment: This sequence change replaces glycine, which is neutral and non-polar, with valine, which is neutral and non-polar, at codon 1510 of the COL6A3 protein (p.Gly1510Val). This variant is not present in population databases (gnomAD no frequency). This variant has not been reported in the literature in individuals affected with COL6A3-related conditions. ClinVar contains an entry for this variant (Variation ID: 2505952). Advanced modeling of protein sequence and biophysical properties (such as structural, functional, and spatial information, amino acid conservation, physicochemical variation, residue mobility, and thermodynamic stability) has been performed at Invitae for this missense variant, however the output from this modeling did not meet the statistical confidence thresholds required to predict the impact of this variant on COL6A3 protein function. In summary, the available evidence is currently insufficient to determine the role of this variant in disease. Therefore, it has been classified as a Variant of Uncertain Significance.

GeneDx
Classification: Uncertain significance. Last evaluated: 2022-12-08. Review status: criteria provided, single submitter. Criteria: GeneDx Variant Classification Process June 2021. Collection method: clinical testing. Allele origin: germline. Affected: yes.
Comment: Not observed at significant frequency in large population cohorts (gnomAD); In silico analysis supports that this missense variant has a deleterious effect on protein structure/function; Has not been previously published as pathogenic or benign to our knowledge

Dr. Peter K. Rogan Lab, Western University
No classification provided (evidence only). Condition: Malignant tumor of urinary bladder. Review status: no classification provided. Collection method: in vitro. Allele origin: not applicable. Functional consequence: retained intron. Not counted in ClinVar's aggregate classification.